The following is an entry in ClinVar:

ClinVar aggregate classification (germline): Uncertain significance (1 of 4 stars; one submission).

Conditions:
Hereditary cancer-predisposing syndrome. Also called: Hereditary Cancer Syndrome; Hereditary neoplastic syndrome; Neoplastic Syndromes, Hereditary; Tumor predisposition. Identifiers: Orphanet 140162, MedGen C0027672, MeSH D009386, MONDO:0015356.

Submission:

Ambry Genetics
Classification: Uncertain significance for Hereditary cancer-predisposing syndrome. Last evaluated: 2025-06-12. Review status: criteria provided, single submitter. Criteria: Ambry Variant Classification Scheme 2023. Collection method: clinical testing. Allele origin: germline.
Comment: The p.T906N variant (also known as c.2717C>A), located in coding exon 4 of the MSH6 gene, results from a C to A substitution at nucleotide position 2717. The threonine at codon 906 is replaced by asparagine, an amino acid with similar properties. This amino acid position is conserved. In addition, this alteration is predicted to be tolerated by in silico analysis. Based on the available evidence, the clinical significance of this variant remains unclear.

NM_000179.3(MSH6):c.2717C>A (p.Thr906Asn)

Gene: MSH6 (mutS homolog 6; plus strand). Cytogenetic location: 2p16.3.
Variant type: single nucleotide variant.
Coding change: c.2717C>A on transcript NM_000179.3 (MANE Select); coding-DNA position 2717, C replaced by A.
Protein change: p.Thr906Asn; replaces threonine 906 with asparagine.
Molecular consequence: missense variant. On other transcripts: non-coding transcript variant (5), intron variant (2).
Genome position (GRCh38, 1-based): chr2:47,800,700, C>A. VCF-style: chr2-47800700-C-A. GRCh37 (hg19) VCF-style: chr2-48027839-C-A.
Other names: c.2327C>A, p.Thr776Asn (NM_001281492.2); c.1811C>A, p.Thr604Asn (NM_001281493.2, NM_001281494.2, NM_001406811.1 and 6 more transcripts); c.2813C>A, p.Thr938Asn (NM_001406795.1, NM_001406802.1); c.2717C>A, p.Thr906Asn (NM_001406796.1, NM_001406798.1, NM_001406800.1 and 2 more transcripts); c.2420C>A, p.Thr807Asn (NM_001406797.1, NM_001406801.1, NM_001406805.1 and 10 more transcripts); c.2192C>A, p.Thr731Asn (NM_001406799.1, NM_001406806.1, NM_001406807.1); c.2639C>A, p.Thr880Asn (NM_001406804.1); c.2723C>A, p.Thr908Asn (NM_001406813.1); and 4 more; short protein forms T776N, T906N, T908N, T221N, T731N, T850N, T938N, T604N.
Identifiers: ClinVar variation 3913740 (VCV003913740.1).